The following is an entry in ClinVar:

ClinVar aggregate classification (germline): Uncertain significance (1 of 4 stars; one submission).

Conditions:
MOGS-congenital disorder of glycosylation. Also called: MOGS-CDG; CDG IIb; GLUCOSIDASE I DEFICIENCY; CDG 2B. Identifiers: Orphanet 79330, MedGen C1853736, MONDO:0011629, OMIM 606056.

Submission:

Labcorp Genetics (formerly Invitae), Labcorp
Classification: Uncertain significance for MOGS-congenital disorder of glycosylation. Last evaluated: 2024-06-25. Review status: criteria provided, single submitter. Criteria: Invitae Variant Classification Sherloc (09022015). Collection method: clinical testing. Allele origin: germline.
Comment: This sequence change replaces alanine, which is neutral and non-polar, with valine, which is neutral and non-polar, at codon 621 of the MOGS protein (p.Ala621Val). This variant is not present in population databases (gnomAD no frequency). This variant has not been reported in the literature in individuals affected with MOGS-related conditions. Advanced modeling of protein sequence and biophysical properties (such as structural, functional, and spatial information, amino acid conservation, physicochemical variation, residue mobility, and thermodynamic stability) performed at Invitae indicates that this missense variant is not expected to disrupt MOGS protein function with a negative predictive value of 80%. In summary, the available evidence is currently insufficient to determine the role of this variant in disease. Therefore, it has been classified as a Variant of Uncertain Significance.

NM_006302.3(MOGS):c.1862C>T (p.Ala621Val)

Gene: MOGS (mannosyl-oligosaccharide glucosidase; minus strand). Cytogenetic location: 2p13.1.
Variant type: single nucleotide variant.
Coding change: c.1862C>T on transcript NM_006302.3 (MANE Select); coding-DNA position 1862, C replaced by T.
Protein change: p.Ala621Val; replaces alanine 621 with valine.
Molecular consequence: missense variant.
Genome position (GRCh38, 1-based): chr2:74,461,927, G>A on the plus strand (C>T on the coding strand, the complement: MOGS is on the minus strand). VCF-style: chr2-74461927-G-A. GRCh37 (hg19) VCF-style: chr2-74689054-G-A.
Other names: c.1544C>T, p.Ala515Val (NM_001146158.2); short protein forms A515V, A621V.
Identifiers: ClinVar variation 3657849 (VCV003657849.2).